The following is an entry in ClinVar:

ClinVar aggregate classification (germline): Likely pathogenic (1 of 4 stars; one submission).

Conditions:
Syndromic X-linked intellectual disability Najm type (MICPCH). Also called: Intellectual Disability and Microcephaly with Pontine and Cerebellar Hypoplasia; Mental retardation and microcephaly with pontine and cerebellar hypoplasia; MENTAL RETARDATION, X-LINKED, SYNDROMIC, NAJM TYPE; Intellectual Disability and Microcephaly with Pontine and Cerebellar Hypoplasia (MICPCH); MICPCH SYNDROME; Intellectual developmental disorder and microcephaly with pontine and cerebellar hypoplasia. Identifiers: Orphanet 163937, MedGen C2677903, MONDO:0010417, OMIM 300749.

Submission:

Neuberg Centre For Genomic Medicine, NCGM
Classification: Likely pathogenic for Syndromic X-linked intellectual disability Najm type. Review status: criteria provided, single submitter. Criteria: ACMG Guidelines, 2015. Collection method: clinical testing. Allele origin: germline. Inheritance: X-linked inheritance. Affected: yes.
Comment: The stop gained variant c.1999G>T (p.Gly667Ter) in CASK gene has not been reported previously as a pathogenic variant nor as a benign variant, to our knowledge. The p.Gly667Ter variant is novel (not in any individuals) in gnomAD Exomes and 1000 Genomes. The nucleotide change in CASK is predicted as conserved by GERP++ and PhyloP across 100 vertebrates. This variant is predicted to cause loss of normal protein function through protein truncation. Loss of function variants have been previously reported to be disease causing. For these reasons, this variant has been classified as Likely Pathogenic.

NM_001367721.1(CASK):c.1999G>T (p.Gly667Ter)

Gene: CASK (calcium/calmodulin dependent serine protein kinase; minus strand). Cytogenetic location: Xp11.4.
Variant type: single nucleotide variant.
Coding change: c.1999G>T on transcript NM_001367721.1 (MANE Select); coding-DNA position 1999, G replaced by T.
Protein change: p.Gly667Ter; replaces glycine 667 with a stop codon.
Molecular consequence: nonsense.
Genome position (GRCh38, 1-based): chrX:41,553,759, C>A on the plus strand (G>T on the coding strand, the complement: CASK is on the minus strand). VCF-style: chrX-41553759-C-A. GRCh37 (hg19) VCF-style: chrX-41413012-C-A.
Other names: c.1930G>T, p.Gly644Ter (NM_001126054.3); c.1912G>T, p.Gly638Ter (NM_001126055.3); c.1981G>T, p.Gly661Ter (NM_001410745.1); c.1999G>T, p.Gly667Ter (NM_003688.4); short protein forms G638*, G644*, G661*, G667*.
Identifiers: ClinVar variation 2585235 (VCV002585235.1), dbSNP rs2519751549, ClinGen allele CA412992693.